The following is an entry in ClinVar:

NM_000548.5(TSC2):c.884C>T (p.Ala295Val)

Gene: TSC2 (TSC complex subunit 2; plus strand). Cytogenetic location: 16p13.3.
Variant type: single nucleotide variant.
Coding change: c.884C>T on transcript NM_000548.5 (MANE Select); coding-DNA position 884, C replaced by T.
Protein change: p.Ala295Val; replaces alanine 295 with valine.
Molecular consequence: missense variant.
Genome position (GRCh38, 1-based): chr16:2,058,782, C>T. VCF-style: chr16-2058782-C-T. GRCh37 (hg19) VCF-style: chr16-2108783-C-T.
Other names: c.884C>T, p.Ala295Val (NM_001077183.3, NM_001114382.3, NM_001363528.2 and 3 more transcripts); c.773C>T, p.Ala258Val (NM_001318827.2); c.737C>T, p.Ala246Val (NM_001318829.2); c.284C>T, p.Ala95Val (NM_001318831.2); c.917C>T, p.Ala306Val (NM_001318832.2); short protein forms A258V, A95V, A246V, A306V, A295V.
Identifiers: ClinVar variation 822773 (VCV000822773.7), dbSNP rs1596288578, ClinGen allele CA394315144.

ClinVar aggregate classification (germline): Uncertain significance. Review status: criteria provided, multiple submitters, no conflicts (2 of 4 stars). 2 submissions from 2 submitters: Uncertain significance (2). Last evaluated 2023-03-01.

Conditions:
Hereditary cancer-predisposing syndrome. Also called: Hereditary Cancer Syndrome; Neoplastic Syndromes, Hereditary; Hereditary neoplastic syndrome; Tumor predisposition. Identifiers: Orphanet 140162, MedGen C0027672, MeSH D009386, MONDO:0015356.
Tuberous sclerosis 2 (TSC2). Identifiers: Orphanet 805, MedGen C1860707, MONDO:0013199, OMIM 613254.

Allele frequency attached by ClinVar (database versions not stated): gnomAD exomes below 0.00001.
gnomAD v4.1: 1 of 1,593,246 alleles (0.000063%); highest among the groups gnomAD compares: South Asian, 0.0011%; no homozygotes.

Submissions (2):

Labcorp Genetics (formerly Invitae), Labcorp
Classification: Uncertain significance for Tuberous sclerosis 2. Last evaluated: 2023-03-01. Review status: criteria provided, single submitter. Criteria: Invitae Variant Classification Sherloc (09022015). Collection method: clinical testing. Allele origin: germline.
Comment: In summary, the available evidence is currently insufficient to determine the role of this variant in disease. Therefore, it has been classified as a Variant of Uncertain Significance. Advanced modeling of protein sequence and biophysical properties (such as structural, functional, and spatial information, amino acid conservation, physicochemical variation, residue mobility, and thermodynamic stability) performed at Invitae indicates that this missense variant is not expected to disrupt TSC2 protein function. ClinVar contains an entry for this variant (Variation ID: 822773). This variant has not been reported in the literature in individuals affected with TSC2-related conditions. This variant is not present in population databases (gnomAD no frequency). This sequence change replaces alanine, which is neutral and non-polar, with valine, which is neutral and non-polar, at codon 295 of the TSC2 protein (p.Ala295Val).

Ambry Genetics
Classification: Uncertain significance for Hereditary cancer-predisposing syndrome. Last evaluated: 2019-01-04. Review status: criteria provided, single submitter. Criteria: Ambry Variant Classification Scheme 2023. Collection method: clinical testing. Allele origin: germline.
Comment: The p.A295V variant (also known as c.884C>T), located in coding exon 9 of the TSC2 gene, results from a C to T substitution at nucleotide position 884. The alanine at codon 295 is replaced by valine, an amino acid with similar properties. This amino acid position is highly conserved in available vertebrate species. In addition, this alteration is predicted to be deleterious by in silico analysis. Since supporting evidence is limited at this time, the clinical significance of this alteration remains unclear.